The following is an entry in ClinVar:

ClinVar aggregate classification (germline): Pathogenic. Review status: criteria provided, single submitter (1 of 4 stars). 2 submissions from 2 submitters: Pathogenic (1). 1 of the submissions does not count toward it. Last evaluated 2025-12-03.

Conditions:
Calvarial doughnut lesions with bone fragility and spondylometaphyseal dysplasia. Identifiers: MedGen C5193004, MONDO:0800204.

Submissions (2):

Labcorp Genetics (formerly Invitae), Labcorp
Classification: Pathogenic. Last evaluated: 2025-12-03. Review status: criteria provided, single submitter. Criteria: Invitae Variant Classification Sherloc (09022015). Collection method: clinical testing. Allele origin: germline.
Comment: This sequence change replaces methionine, which is neutral and non-polar, with arginine, which is basic and polar, at codon 64 of the SGMS2 protein (p.Met64Arg). This variant is not present in population databases (gnomAD no frequency). This missense change has been observed in individual(s) with SGMS2-related conditions (PMID: 30779713). In at least one individual the variant was observed to be de novo. ClinVar contains an entry for this variant (Variation ID: 635287). Invitae Evidence Modeling of protein sequence and biophysical properties (such as structural, functional, and spatial information, amino acid conservation, physicochemical variation, residue mobility, and thermodynamic stability) indicates that this missense variant is not expected to disrupt SGMS2 protein function with a negative predictive value of 80%. Experimental studies have shown that this missense change affects SGMS2 function (PMID: 30779713). For these reasons, this variant has been classified as Pathogenic.

OMIM
Classification: Pathogenic for CALVARIAL DOUGHNUT LESIONS WITH BONE FRAGILITY AND SPONDYLOMETAPHYSEAL DYSPLASIA. Last evaluated: 2019-06-27. Review status: no assertion criteria provided. Collection method: literature only. Allele origin: germline. Not counted in ClinVar's aggregate classification.

Literature cited by the submitters: PubMed 30779713 (cited by Labcorp Genetics (formerly Invitae), Labcorp and OMIM).

NM_001375905.1(SGMS2):c.191T>G (p.Met64Arg)

Genes: CYP2U1-AS1 (CYP2U1 and SGMS2 antisense RNA 1; minus strand), SGMS2 (sphingomyelin synthase 2; plus strand). Cytogenetic location: 4q25.
Variant type: single nucleotide variant.
Coding change: c.191T>G on transcript NM_001375905.1 (MANE Select); coding-DNA position 191, T replaced by G.
Protein change: p.Met64Arg; replaces methionine 64 with arginine.
Molecular consequence: missense variant. On other transcripts: intron variant (1).
Genome position (GRCh38, 1-based): chr4:107,895,744, T>G. VCF-style: chr4-107895744-T-G. GRCh37 (hg19) VCF-style: chr4-108816900-T-G.
Other names: c.191T>G, p.Met64Arg (NM_001136257.2, NM_001136258.2, NM_001375906.1 and 4 more transcripts); c.-64-3831T>G (NM_001375911.1); short protein forms M64R.
Identifiers: ClinVar variation 635287 (VCV000635287.2), dbSNP rs1560667521, ClinGen allele CA357835115.